The following is an entry in ClinVar:

ClinVar aggregate classification (germline): Pathogenic (1 of 4 stars; one submission).

Submission:

GeneDx
Classification: Pathogenic. Last evaluated: 2024-05-16. Review status: criteria provided, single submitter. Criteria: GeneDx Variant Classification Process June 2021. Collection method: clinical testing. Allele origin: germline. Affected: yes.
Comment: Not observed at significant frequency in large population cohorts (gnomAD); Frameshift variant predicted to result in protein truncation or nonsense mediated decay in a gene for which loss of function is a known mechanism of disease; This variant is associated with the following publications: (PMID: 29655203)

NM_001083962.2(TCF4):c.1565dup (p.Asn522fs)

Gene: TCF4 (transcription factor 4; minus strand). Cytogenetic location: 18q21.2.
Variant type: Duplication.
Coding change: c.1565dup on transcript NM_001083962.2 (MANE Select); coding-DNA position 1565, one base duplicated (A; older notation c.1565dupA).
Protein change: p.Asn522fs; shifts the reading frame from asparagine 522.
Molecular consequence: frameshift variant.
Genome position (GRCh38, 1-based): chr18:55,232,593, T duplicated on the plus strand (A on the coding strand, the reverse complement: TCF4 is on the minus strand); the first of 2 consecutive T bases (chr18:55,232,593-55,232,594); duplicating either gives the same sequence. VCF-style (leftmost placement, unchanged base first): chr18-55232592-G-GT. GRCh37 (hg19) VCF-style: chr18-52899823-G-GT.
Other names: c.1871dup, p.Asn624fs (NM_001243226.3); c.1493dup, p.Asn498fs (NM_001243227.2, NM_001306207.1, NM_001348217.1 and 5 more transcripts); c.1583dup, p.Asn528fs (NM_001243228.2); c.1556dup, p.Asn519fs (NM_001243230.2); c.1439dup, p.Asn480fs (NM_001243231.2, NM_001348211.2); c.1352dup, p.Asn451fs (NM_001243232.1, NM_001306208.1); c.1175dup, p.Asn392fs (NM_001243233.2, NM_001330605.3, NM_001348212.2 and 1 more transcripts); c.1085dup, p.Asn362fs (NM_001243234.2, NM_001243235.2, NM_001243236.2 and 1 more transcripts); and 6 more; short protein forms N306fs, N361fs, N362fs, N392fs, N451fs, N480fs, N497fs, N498fs.
Identifiers: ClinVar variation 3378373 (VCV003378373.1).